The following is an entry in ClinVar:

NM_000218.3(KCNQ1):c.1394-36442A>G

Genes: KCNQ1 (potassium voltage-gated channel subfamily Q member 1; plus strand), KCNQ1OT1 (KCNQ1 opposite strand/antisense transcript 1; minus strand). Cytogenetic location: 11p15.5.
Variant type: single nucleotide variant.
Coding change: c.1394-36442A>G on transcript NM_000218.3 (MANE Select); 36442 bases into the intron before coding-DNA position 1394, A replaced by G.
Molecular consequence: intron variant.
Genome position (GRCh38, 1-based): chr11:2,625,519, A>G. VCF-style: chr11-2625519-A-G. GRCh37 (hg19) VCF-style: chr11-2646749-A-G.
Other names: c.1124-36442A>G (NM_001406837.1); c.1298-36442A>G (NM_001406836.1); c.854-36442A>G (NM_001406838.1); c.1013-36442A>G (NM_181798.2).
Identifiers: ClinVar variation 2570785 (VCV002570785.27), dbSNP rs756536805, ClinGen allele CA216364294.

ClinVar aggregate classification (germline): Likely benign (1 of 4 stars; one submission).

Allele frequency attached by ClinVar (database versions not stated): gnomAD 0.00040; TOPMed 0.00047; gnomAD exomes 0.00064.
gnomAD v4.1: 224 of 397,510 alleles (0.056%); highest among the groups gnomAD compares: Middle Eastern, 0.19%; no homozygotes.

Submission:

CeGaT Center for Human Genetics Tuebingen
Classification: Likely benign. Last evaluated: 2026-01-01. Review status: criteria provided, single submitter. Criteria: CeGaT Center For Human Genetics Tuebingen Variant Classification Criteria Version 2. Collection method: clinical testing. Allele origin: germline. Affected: yes. Observed: 4 variant alleles.
Comment: KCNQ1OT1: BS2